The following is an entry in ClinVar:

NM_032620.4(GTPBP3):c.802del (p.Leu268fs)

Gene: GTPBP3 (GTP binding protein 3, mitochondrial; plus strand). Cytogenetic location: 19p13.11.
Variant type: Deletion.
Coding change: c.802del on transcript NM_032620.4 (MANE Select); coding-DNA position 802, one base deleted (C; older notation c.802delC).
Protein change: p.Leu268fs; shifts the reading frame from leucine 268.
Molecular consequence: frameshift variant.
Genome position (GRCh38, 1-based): chr19:17,339,260, C deleted; the last of 2 consecutive C bases (chr19:17,339,259-17,339,260); deleting either gives the same sequence. VCF-style (leftmost placement, unchanged base first): chr19-17339258-AC-A. GRCh37 (hg19) VCF-style: chr19-17450067-AC-A.
Other names: c.802del, p.Leu268fs (NM_001128855.3); c.868del, p.Leu290fs (NM_001195422.1); c.898del, p.Leu300fs (NM_133644.4); short protein forms L290fs, L300fs, L268fs.
Identifiers: ClinVar variation 2069528 (VCV002069528.4), dbSNP rs1273092523, ClinGen allele CA632134200.
Genomic context (GRCh38, chr19:17,339,258, plus strand): 5'-GCTCAGGGGTGCACGTAGTGGTCACTGGACCCCCCAATGCGGGCAAGAGCAGCCTAGTGA[AC>A]CTGCTCAGTGAGTAGGCGGCGGGAAGGGGGCGGGGCCTAGTGCCAGGGGCGGGGCCAAGA-3'

ClinVar aggregate classification (germline): Pathogenic (1 of 4 stars; one submission).

Submission:

Labcorp Genetics (formerly Invitae), Labcorp
Classification: Pathogenic. Last evaluated: 2024-06-22. Review status: criteria provided, single submitter. Criteria: Invitae Variant Classification Sherloc (09022015). Collection method: clinical testing. Allele origin: germline.
Comment: This sequence change creates a premature translational stop signal (p.Leu300Cysfs*34) in the GTPBP3 gene. It is expected to result in an absent or disrupted protein product. Loss-of-function variants in GTPBP3 are known to be pathogenic (PMID: 25434004). This variant is present in population databases (no rsID available, gnomAD no frequency). This variant has not been reported in the literature in individuals affected with GTPBP3-related conditions. ClinVar contains an entry for this variant (Variation ID: 2069528). For these reasons, this variant has been classified as Pathogenic.

Literature cited by the submitters: PubMed 25434004.